The following is an entry in ClinVar:

ClinVar aggregate classification (germline): Uncertain significance (1 of 4 stars; one submission).

Submission:

Ambry Genetics
Classification: Uncertain significance. Last evaluated: 2024-11-09. Review status: criteria provided, single submitter. Criteria: Ambry Variant Classification Scheme 2023. Collection method: clinical testing. Allele origin: germline.
Comment: The p.S813T variant (also known as c.2438G>C), located in coding exon 13 of the NPAT gene, results from a G to C substitution at nucleotide position 2438. The serine at codon 813 is replaced by threonine, an amino acid with similar properties. This amino acid position is conserved. In addition, this alteration is predicted to be tolerated by in silico analysis. Based on the available evidence, the clinical significance of this variant remains unclear.

NM_002519.3(NPAT):c.2438G>C (p.Ser813Thr)

Gene: NPAT (nuclear protein, coactivator of histone transcription; minus strand). Cytogenetic location: 11q22.3.
Variant type: single nucleotide variant.
Coding change: c.2438G>C on transcript NM_002519.3 (MANE Select); coding-DNA position 2438, G replaced by C.
Protein change: p.Ser813Thr; replaces serine 813 with threonine.
Molecular consequence: missense variant.
Genome position (GRCh38, 1-based): chr11:108,172,546, C>G on the plus strand (G>C on the coding strand, the complement: NPAT is on the minus strand). VCF-style: chr11-108172546-C-G. GRCh37 (hg19) VCF-style: chr11-108043273-C-G.
Other names: c.2438G>C, p.Ser813Thr (NM_001321307.1); short protein forms S813T.
Identifiers: ClinVar variation 3407270 (VCV003407270.1).